The following is an entry in ClinVar:

NM_014639.4(SKIC3):c.744del (p.Ile248fs)

Gene: SKIC3 (SKI3 subunit of superkiller complex; minus strand). Cytogenetic location: 5q15.
Variant type: Deletion.
Coding change: c.744del on transcript NM_014639.4 (MANE Select); coding-DNA position 744, one base deleted (T; older notation c.744delT).
Protein change: p.Ile248fs; shifts the reading frame from isoleucine 248.
Molecular consequence: frameshift variant.
Genome position (GRCh38, 1-based): chr5:95,536,824, A deleted on the plus strand (T on the coding strand, the reverse complement: SKIC3 is on the minus strand); the first of 2 consecutive A bases (chr5:95,536,824-95,536,825); deleting either gives the same sequence. VCF-style (leftmost placement, unchanged base first): chr5-95536823-CA-C. GRCh37 (hg19) VCF-style: chr5-94872527-CA-C.
Other names: short protein forms I248fs.
Identifiers: ClinVar variation 1914735 (VCV001914735.5), dbSNP rs2530796143, ClinGen allele CA2578377651.
Genomic context (GRCh38, chr5:95,536,823, plus strand): 5'-CACTCACATAATCACACACCTCTAGGACACACACTATAATAAGGAAGAAATTACCTGATT[CA>C]ATTAAATGCAAACAAAGCACTTCTAATGGATACTGTACAGTAGGATAGATGTTTATCATT-3'

ClinVar aggregate classification (germline): Pathogenic (1 of 4 stars; one submission).

Submission:

Labcorp Genetics (formerly Invitae), Labcorp
Classification: Pathogenic. Last evaluated: 2025-07-21. Review status: criteria provided, single submitter. Criteria: Invitae Variant Classification Sherloc (09022015). Collection method: clinical testing. Allele origin: germline.
Comment: This sequence change creates a premature translational stop signal (p.Ile248Metfs*17) in the TTC37 gene. It is expected to result in an absent or disrupted protein product. Loss-of-function variants in TTC37 are known to be pathogenic (PMID: 20176027, 21120949). This variant is not present in population databases (gnomAD no frequency). This variant has not been reported in the literature in individuals affected with TTC37-related conditions. ClinVar contains an entry for this variant (Variation ID: 1914735). For these reasons, this variant has been classified as Pathogenic.

Literature cited by the submitters: PubMed 20176027; PubMed 21120949.